The following is an entry in ClinVar:

ClinVar aggregate classification (germline): Uncertain significance (1 of 4 stars; one submission).

Submission:

Labcorp Genetics (formerly Invitae), Labcorp
Classification: Uncertain significance. Last evaluated: 2021-03-21. Review status: criteria provided, single submitter. Criteria: Invitae Variant Classification Sherloc (09022015). Collection method: clinical testing. Allele origin: germline.
Comment: This sequence change replaces leucine with proline at codon 1137 of the POLE protein (p.Leu1137Pro). The leucine residue is highly conserved and there is a moderate physicochemical difference between leucine and proline. This variant is not present in population databases (ExAC no frequency). This variant has not been reported in the literature in individuals with POLE-related conditions. Algorithms developed to predict the effect of missense changes on protein structure and function (SIFT, PolyPhen-2, Align-GVGD) all suggest that this variant is likely to be disruptive, but these predictions have not been confirmed by published functional studies and their clinical significance is uncertain. In summary, the available evidence is currently insufficient to determine the role of this variant in disease. Therefore, it has been classified as a Variant of Uncertain Significance.

NM_006231.4(POLE):c.3410T>C (p.Leu1137Pro)

Gene: POLE (DNA polymerase epsilon, catalytic subunit; minus strand). Cytogenetic location: 12q24.33.
Variant type: single nucleotide variant.
Coding change: c.3410T>C on transcript NM_006231.4 (MANE Select); coding-DNA position 3410, T replaced by C.
Protein change: p.Leu1137Pro; replaces leucine 1137 with proline.
Molecular consequence: missense variant.
Genome position (GRCh38, 1-based): chr12:132,657,398, A>G on the plus strand (T>C on the coding strand, the complement: POLE is on the minus strand). VCF-style: chr12-132657398-A-G. GRCh37 (hg19) VCF-style: chr12-133233984-A-G.
Other names: short protein forms L1137P.
Identifiers: ClinVar variation 1415462 (VCV001415462.8), dbSNP rs2042569191, ClinGen allele CA387389489.